The following is an entry in ClinVar:

NM_000393.5(COL5A2):c.*1400A>G

Gene: COL5A2 (collagen type V alpha 2 chain; minus strand). Cytogenetic location: 2q32.2.
Variant type: single nucleotide variant.
Coding change: c.*1400A>G on transcript NM_000393.5 (MANE Select); 1400 bases downstream of the stop codon, A replaced by G.
Molecular consequence: 3 prime UTR variant.
Genome position (GRCh38, 1-based): chr2:189,032,670, T>C on the plus strand (A>G on the coding strand, the complement: COL5A2 is on the minus strand). VCF-style: chr2-189032670-T-C. GRCh37 (hg19) VCF-style: chr2-189897396-T-C.
Identifiers: ClinVar variation 333107 (VCV000333107.6), dbSNP rs12886, ClinGen allele CA10613261.

ClinVar aggregate classification (germline): Benign (1 of 4 stars; one submission).

Conditions:
Ehlers-Danlos syndrome, classic type, 2 (EDSCL2). Also called: Ehlers-Danlos syndrome, type 2; Ehlers-Danlos syndrome type 2 (formerly); Ehlers-Danlos Syndrome, Classic Type, COL5A2-Related. Identifiers: Orphanet 287, Orphanet 90318, MedGen C0268336, MONDO:0019568, OMIM 130010.

Allele frequency attached by ClinVar (database versions not stated): gnomAD 0.01493 and 0.01556; 1000 Genomes Project 30x 0.00953; gnomAD exomes 0.02652; 1000 Genomes Project 0.01038; TOPMed 0.01432.
gnomAD v4.1: 2,365 of 152,350 alleles (1.6%); highest among the groups gnomAD compares: Non-Finnish European, 2%; 25 homozygotes.

Submission:

Illumina Laboratory Services, Illumina
Classification: Benign for Ehlers-Danlos syndrome, classic type, 2. Last evaluated: 2018-01-13. Review status: criteria provided, single submitter. Criteria: ICSL Variant Classification Criteria 13 December 2019. Collection method: clinical testing. Allele origin: germline.
Comment: This variant was observed in the ICSL laboratory as part of a predisposition screen in an ostensibly healthy population. It had not been previously curated by ICSL or reported in the Human Gene Mutation Database (HGMD: prior to June 1st, 2018), and was therefore a candidate for classification through an automated scoring system. Utilizing variant allele frequency, disease prevalence and penetrance estimates, and inheritance mode, an automated score was calculated to assess if this variant is too frequent to cause the disease. Based on the score and internal cut-off values, a variant classified as benign is not then subjected to further curation. The score for this variant resulted in a classification of benign for this disease.